The following is an entry in ClinVar:

ClinVar aggregate classification (germline): Likely pathogenic (1 of 4 stars; one submission).

Submission:

ARUP Laboratories, Molecular Genetics and Genomics, ARUP Laboratories
Classification: Likely pathogenic. Review status: criteria provided, single submitter. Criteria: ARUP Molecular Germline Variant Investigation Process 2024. Collection method: clinical testing. Allele origin: germline.
Comment: The KIDINS220 c.324dup; p.Met109TyrfsTer10 variant to our knowledge, is not reported in the medical literature or gene specific databases. This variant is absent from the Genome Aggregation Database (v2.1.1), indicating it is not a common polymorphism. This variant causes a frameshift and is predicted to result in a truncated protein or mRNA subject to nonsense-mediated decay. Based on available information, this variant is considered to be likely pathogenic.

NM_020738.4(KIDINS220):c.324dup (p.Met109fs)

Gene: KIDINS220 (kinase D interacting substrate 220; minus strand). Cytogenetic location: 2p25.1.
Variant type: Duplication.
Coding change: c.324dup on transcript NM_020738.4 (MANE Select); coding-DNA position 324, one base duplicated (T; older notation c.324dupT).
Protein change: p.Met109fs; shifts the reading frame from methionine 109.
Molecular consequence: frameshift variant. On other transcripts: non-coding transcript variant (2).
Genome position (GRCh38, 1-based): chr2:8,813,318, A duplicated on the plus strand (T on the coding strand, the reverse complement: KIDINS220 is on the minus strand); the first of 2 consecutive A bases (chr2:8,813,318-8,813,319); duplicating either gives the same sequence. VCF-style (leftmost placement, unchanged base first): chr2-8813317-T-TA. GRCh37 (hg19) VCF-style: chr2-8953447-T-TA.
Other names: c.324dup, p.Met109fs (NM_001348729.2, NM_001348731.2, NM_001348732.2 and 9 more transcripts); c.198dup, p.Met67fs (NM_001348736.2); short protein forms M109fs, M67fs.
Identifiers: ClinVar variation 4686032 (VCV004686032.1).
Genomic context (GRCh38, chr2:8,813,317, plus strand): 5'-TGGCACCATGAGAAAGAAGCAACTCTACTACGTCAGTACGGCCTTTGTAACATGCCCACA[T>TA]AAGAGCTGTCCATCCTCCCTAAACAAAAAATGTAGGGGTAAGGGAATCAAACTTTAAATC-3'